The following is an entry in ClinVar:

NM_001347721.2(DYRK1A):c.262del (p.Ser88fs)

Gene: DYRK1A (dual specificity tyrosine phosphorylation regulated kinase 1A; plus strand). Cytogenetic location: 21q22.13.
Variant type: Deletion.
Coding change: c.262del on transcript NM_001347721.2 (MANE Select); coding-DNA position 262, one base deleted (T; older notation c.262delT).
Protein change: p.Ser88fs; shifts the reading frame from serine 88.
Molecular consequence: frameshift variant.
Genome position (GRCh38, 1-based): chr21:37,478,262, T deleted; the last of 3 consecutive T bases (chr21:37,478,260-37,478,262); deleting any one gives the same sequence. VCF-style (leftmost placement, unchanged base first): chr21-37478259-CT-C. GRCh37 (hg19) VCF-style: chr21-38850561-CT-C.
Other names: c.262del, p.Ser88fs (NM_001347722.2, NM_130436.2); c.175del, p.Ser59fs (NM_001347723.2); c.289del, p.Ser97fs (NM_001396.5, NM_101395.2, NM_130438.2); short protein forms S97fs, S59fs, S88fs.
Identifiers: ClinVar variation 1797395 (VCV001797395.2), dbSNP rs2517974728, ClinGen allele CA2580098699.

ClinVar aggregate classification (germline): Pathogenic (1 of 4 stars; one submission).

Conditions:
Inborn genetic diseases. Identifiers: MedGen C0950123, MeSH D030342.

Submission:

Ambry Genetics
Classification: Pathogenic for Inborn genetic diseases. Last evaluated: 2018-07-09. Review status: criteria provided, single submitter. Criteria: Ambry Variant Classification Scheme 2023. Collection method: clinical testing. Allele origin: germline.
Comment: The c.289delT pathogenic mutation, located in coding exon 3 of the DYRK1A gene, results from a deletion of one nucleotide at nucleotide position 289, causing a translational frameshift with a predicted alternate stop codon (p.S97Lfs*4). This alteration is expected to result in loss of function by premature protein truncation or nonsense-mediated mRNA decay. As such, this alteration is interpreted as a disease-causing mutation.